The following is an entry in ClinVar:

ClinVar aggregate classification (germline): Uncertain significance (1 of 4 stars; one submission).

gnomAD v4.1: 1 of 1,614,170 alleles (0.000062%); highest among the groups gnomAD compares: Non-Finnish European, 0.000085%; no homozygotes.

Submission:

Labcorp Genetics (formerly Invitae), Labcorp
Classification: Uncertain significance. Last evaluated: 2024-02-02. Review status: criteria provided, single submitter. Criteria: Invitae Variant Classification Sherloc (09022015). Collection method: clinical testing. Allele origin: germline.
Comment: This sequence change replaces aspartic acid, which is acidic and polar, with alanine, which is neutral and non-polar, at codon 1121 of the TET2 protein (p.Asp1121Ala). This variant is not present in population databases (gnomAD no frequency). This variant has not been reported in the literature in individuals affected with TET2-related conditions. An algorithm developed to predict the effect of missense changes on protein structure and function (PolyPhen-2) suggests that this variant is likely to be disruptive. In summary, the available evidence is currently insufficient to determine the role of this variant in disease. Therefore, it has been classified as a Variant of Uncertain Significance.

NM_001127208.3(TET2):c.3362A>C (p.Asp1121Ala)

Genes: TET2 (tet methylcytosine dioxygenase 2; plus strand), TET2-AS1 (TET2 antisense RNA 1; minus strand). Cytogenetic location: 4q24.
Variant type: single nucleotide variant.
Coding change: c.3362A>C on transcript NM_001127208.3 (MANE Select); coding-DNA position 3362, A replaced by C.
Protein change: p.Asp1121Ala; replaces aspartic acid 1121 with alanine.
Molecular consequence: missense variant.
Genome position (GRCh38, 1-based): chr4:105,237,304, A>C. VCF-style: chr4-105237304-A-C. GRCh37 (hg19) VCF-style: chr4-106158461-A-C.
Other names: c.3362A>C, p.Asp1121Ala (NM_017628.4); short protein forms D1121A.
Identifiers: ClinVar variation 3700050 (VCV003700050.2).